The following is an entry in ClinVar:

ClinVar aggregate classification (germline): Uncertain significance. Review status: criteria provided, multiple submitters, no conflicts (2 of 4 stars). 3 submissions from 3 submitters: Uncertain significance (3). Last evaluated 2026-04-23.

Conditions:
Inborn genetic diseases. Identifiers: MedGen C0950123, MeSH D030342.

Allele frequency attached by ClinVar (database versions not stated): 1000 Genomes Project 30x 0.00016; 1000 Genomes Project 0.00020.
gnomAD v4.1: 44 of 1,591,200 alleles (0.0028%); highest among the groups gnomAD compares: Admixed American, 0.037%; no homozygotes.

Submissions (3):

GeneDx
Classification: Uncertain significance. Last evaluated: 2026-04-23. Review status: criteria provided, single submitter. Criteria: GeneDx Variant Classification Process June 2021. Collection method: clinical testing. Allele origin: germline.
Comment: In silico analysis suggests that this missense variant does not alter protein structure/function; Has not been previously published as pathogenic or benign to our knowledge

Labcorp Genetics (formerly Invitae), Labcorp
Classification: Uncertain significance. Last evaluated: 2023-07-26. Review status: criteria provided, single submitter. Criteria: Invitae Variant Classification Sherloc (09022015). Collection method: clinical testing. Allele origin: germline.
Comment: Advanced modeling of protein sequence and biophysical properties (such as structural, functional, and spatial information, amino acid conservation, physicochemical variation, residue mobility, and thermodynamic stability) performed at Invitae indicates that this missense variant is not expected to disrupt MYO3A protein function. In summary, the available evidence is currently insufficient to determine the role of this variant in disease. Therefore, it has been classified as a Variant of Uncertain Significance. ClinVar contains an entry for this variant (Variation ID: 2349710). This variant has not been reported in the literature in individuals affected with MYO3A-related conditions. This variant is present in population databases (rs200715190, gnomAD 0.02%). This sequence change replaces glutamine, which is neutral and polar, with arginine, which is basic and polar, at codon 382 of the MYO3A protein (p.Gln382Arg).

Ambry Genetics
Classification: Uncertain significance for Inborn genetic diseases. Last evaluated: 2021-09-14. Review status: criteria provided, single submitter. Criteria: Ambry Variant Classification Scheme 2023. Collection method: clinical testing. Allele origin: germline.

NM_017433.5(MYO3A):c.1145A>G (p.Gln382Arg)

Gene: MYO3A (myosin IIIA; plus strand). Cytogenetic location: 10p12.1.
Variant type: single nucleotide variant.
Coding change: c.1145A>G on transcript NM_017433.5 (MANE Select); coding-DNA position 1145, A replaced by G.
Protein change: p.Gln382Arg; replaces glutamine 382 with arginine.
Molecular consequence: missense variant.
Genome position (GRCh38, 1-based): chr10:26,068,859, A>G. VCF-style: chr10-26068859-A-G. GRCh37 (hg19) VCF-style: chr10-26357788-A-G.
Other names: short protein forms Q382R.
Identifiers: ClinVar variation 2349710 (VCV002349710.7), dbSNP rs200715190, ClinGen allele CA5444561.